The following is an entry in ClinVar:

NM_000093.5(COL5A1):c.3812C>T (p.Pro1271Leu)

Gene: COL5A1 (collagen type V alpha 1 chain; plus strand). Cytogenetic location: 9q34.3.
Variant type: single nucleotide variant.
Coding change: c.3812C>T on transcript NM_000093.5 (MANE Select); coding-DNA position 3812, C replaced by T.
Protein change: p.Pro1271Leu; replaces proline 1271 with leucine.
Molecular consequence: missense variant.
Genome position (GRCh38, 1-based): chr9:134,812,672, C>T. VCF-style: chr9-134812672-C-T. GRCh37 (hg19) VCF-style: chr9-137704518-C-T.
Other names: c.3812C>T, p.Pro1271Leu (NM_001278074.1); short protein forms P1271L.
Identifiers: ClinVar variation 459682 (VCV000459682.28), dbSNP rs771146636, ClinGen allele CA5320033.
Genomic context (GRCh38, chr9:134,812,672, plus strand): 5'-CGGGTCCCCCTGGCCCCCGAGGACCCTCCGGAGCTCCAGGTGCTGATGGCCCACAAGGTC[C>T]CCCAGGTGGAATAGGAAACCCTGGTGCAGTGGGAGAGAAGGTGAGGCTCGTGCCTGCTCT-3'
Protein context (NP_000084.3, residues 1261-1281): GAPGADGPQG[Pro1271Leu]PGGIGNPGAV

ClinVar aggregate classification (germline): Conflicting classifications of pathogenicity. Review status: criteria provided, conflicting classifications (1 of 4 stars). 7 submissions from 7 submitters: Uncertain significance (6); Benign (1). Last evaluated 2025-11-10.

Conditions:
Fibromuscular dysplasia, multifocal. Identifiers: MedGen C5543412, MONDO:0859151, OMIM 619329.
Ehlers-Danlos syndrome, classic type, 1 (EDSCL1). Also called: EHLERS-DANLOS SYNDROME, GRAVIS TYPE; EHLERS-DANLOS SYNDROME, SEVERE CLASSIC TYPE; EDS I; Ehlers-Danlos Syndrome, Classic Type, COL5A1-Related; Ehlers-Danlos syndrome, type 1. Identifiers: MedGen C0268335, MONDO:0019567, OMIM 130000.
Familial thoracic aortic aneurysm and aortic dissection (TAAD). Also called: Thoracic aortic aneurysms and dissections. Identifiers: Orphanet 91387, MedGen C4707243, MONDO:0019625.
Abnormal bleeding. Also called: Bleeding diathesis. Identifiers: MedGen C1458140, HP:0001892.

Allele frequency attached by ClinVar (database versions not stated): ExAC 0.00002; gnomAD exomes 0.00003; TOPMed 0.00003; gnomAD 0.00001.
gnomAD v4.1: 48 of 1,593,286 alleles (0.003%); highest among the groups gnomAD compares: Non-Finnish European, 0.0035%; no homozygotes.

Submissions (7):

GeneDx
Classification: Uncertain significance. Last evaluated: 2025-11-10. Review status: criteria provided, single submitter. Criteria: GeneDx Variant Classification Process June 2021. Collection method: clinical testing. Allele origin: germline. Affected: yes.
Comment: Reported as a variant of uncertain significance in an individual with a platelet function disorder (PMID: 31064749); In silico analysis supports that this missense variant has a deleterious effect on protein structure/function; Occurs in the triple helical domain at the X position in the canonical Gly-X-Y repeat; although this variant may have an effect on normal protein folding and function, missense substitution at the X position is not a common mechanism of disease (PMID: 22696272; HGMD); This variant is associated with the following publications: (PMID: 31064749, 22696272)

Labcorp Genetics (formerly Invitae), Labcorp
Classification: Benign for Ehlers-Danlos syndrome, classic type, 1. Last evaluated: 2025-10-21. Review status: criteria provided, single submitter. Criteria: Invitae Variant Classification Sherloc (09022015). Collection method: clinical testing. Allele origin: germline.

ARUP Laboratories, Molecular Genetics and Genomics, ARUP Laboratories
Classification: Uncertain significance. Last evaluated: 2025-07-21. Review status: criteria provided, single submitter. Criteria: ARUP Molecular Germline Variant Investigation Process 2024. Collection method: clinical testing. Allele origin: germline.
Comment: The COL5A1 c.3812C>T; p.Pro1271Leu variant (rs771146636), to our knowledge, is not reported in the literature in an individual with Ehlers-Danlos syndrome, but is reported in ClinVar (Variation ID: 459682). This variant is found in the general population with an overall allele frequency of 0.0028% (6/211,100 alleles) in the Genome Aggregation Database (v2.1.1). Computational analyses are uncertain whether this variant is neutral or deleterious (REVEL: 0.571). Due to limited information, the clinical significance of the p.Pro1271Leu variant is uncertain at this time.

Pittsburgh Clinical Genomics Laboratory, University of Pittsburgh Medical Center
Classification: Uncertain significance for Fibromuscular dysplasia, multifocal. Last evaluated: 2023-09-15. Review status: criteria provided, single submitter. Criteria: ACMG Guidelines, 2015. Collection method: clinical testing. Allele origin: germline. Inheritance: Autosomal dominant inheritance. Affected: yes.
Comment: This sequence variant is a single nucleotide substitution (C>T) at position 3812 of the coding sequence of the COL5A1 gene that results in a proline to leucine amino acid change at residue 1271 of the collagen type V alpha 1 chain protein. This is a previously reported variant (ClinVar 459682) that has not been observed in individuals affected by COL5A1-related disorders, to our knowledge. This variant is present in 6 of 211100 alleles (0.0028%) in the gnomAD population dataset. Bioinformatic tools produce mixed predictions as to whether this variant would be damaging or tolerated, and the Pro1271 residue is highly conserved across the vertebrate species examined. Studies examining the functiol consequence of this variant have not been performed, to our knowledge. At this time, there is insufficient evidence to determine if this variant is pathogenic or benign. Therefore, we consider this a variant of uncertain significance. ACMG Criteria:

Ambry Genetics
Classification: Uncertain significance for Familial thoracic aortic aneurysm and aortic dissection. Last evaluated: 2023-01-25. Review status: criteria provided, single submitter. Criteria: Ambry Variant Classification Scheme 2023. Collection method: clinical testing. Allele origin: germline.
Comment: The p.P1271L variant (also known as c.3812C>T), located in coding exon 48 of the COL5A1 gene, results from a C to T substitution at nucleotide position 3812. The proline at codon 1271 is replaced by leucine, an amino acid with similar properties. The alteration was reported in a cohort of subjects with bleeding disorders (Downes K et al. Blood, 2019 Dec;134:2082-2091). This amino acid position is highly conserved in available vertebrate species. In addition, the in silico prediction for this alteration is inconclusive. Since supporting evidence is limited at this time, the clinical significance of this alteration remains unclear.

Mayo Clinic Laboratories, Mayo Clinic
Classification: Uncertain significance. Last evaluated: 2020-05-12. Review status: criteria provided, single submitter. Criteria: ACMG Guidelines, 2015. Collection method: clinical testing. Allele origin: germline. Observed: 1 variant allele.

NIHR Bioresource Rare Diseases, University of Cambridge
Classification: Uncertain significance for Abnormal bleeding. Last evaluated: 2019-02-01. Review status: criteria provided, single submitter. Criteria: ACMG Guidelines, 2015. Collection method: research. Allele origin: unknown. Affected: yes. Observed: 1 heterozygote. Study: ThromboGenomics.

Literature cited by the submitters: PubMed 31064749 (cited by Ambry Genetics and NIHR Bioresource Rare Diseases, University of Cambridge).